The following is an entry in ClinVar:

NM_177438.3(DICER1):c.4315G>C (p.Glu1439Gln)

Gene: DICER1 (dicer 1, ribonuclease III; minus strand). Cytogenetic location: 14q32.13.
Variant type: single nucleotide variant.
Coding change: c.4315G>C on transcript NM_177438.3 (MANE Select); coding-DNA position 4315, G replaced by C.
Protein change: p.Glu1439Gln; replaces glutamic acid 1439 with glutamine.
Molecular consequence: missense variant.
Genome position (GRCh38, 1-based): chr14:95,096,605, C>G on the plus strand (G>C on the coding strand, the complement: DICER1 is on the minus strand). VCF-style: chr14-95096605-C-G. GRCh37 (hg19) VCF-style: chr14-95562942-C-G.
Other names: c.4315G>C, p.Glu1439Gln (NM_001195573.1, NM_001271282.3, NM_001291628.2 and 1 more transcripts); short protein forms E1439Q.
Identifiers: ClinVar variation 664314 (VCV000664314.11), dbSNP rs1595342125, ClinGen allele CA390869385.

ClinVar aggregate classification (germline): Uncertain significance. Review status: criteria provided, multiple submitters, no conflicts (2 of 4 stars). 2 submissions from 2 submitters: Uncertain significance (2). Last evaluated 2024-05-04.

Conditions:
Hereditary cancer-predisposing syndrome. Also called: Neoplastic Syndromes, Hereditary; Hereditary neoplastic syndrome; Tumor predisposition; Hereditary Cancer Syndrome. Identifiers: Orphanet 140162, MedGen C0027672, MeSH D009386, MONDO:0015356.
DICER1-related tumor predisposition. Also called: DICER1 syndrome; DICER1-related pleuropulmonary blastoma cancer predisposition syndrome. Identifiers: Orphanet 284343, MedGen C3839822, MONDO:0100216.

Submissions (2):

Ambry Genetics
Classification: Uncertain significance for Hereditary cancer-predisposing syndrome. Last evaluated: 2024-05-04. Review status: criteria provided, single submitter. Criteria: Ambry Variant Classification Scheme 2023. Collection method: clinical testing. Allele origin: germline.
Comment: The p.E1439Q variant (also known as c.4315G>C), located in coding exon 22 of the DICER1 gene, results from a G to C substitution at nucleotide position 4315. The glutamic acid at codon 1439 is replaced by glutamine, an amino acid with highly similar properties. This amino acid position is conserved. In addition, the in silico prediction for this alteration is inconclusive. Based on the available evidence, the clinical significance of this variant remains unclear.

Labcorp Genetics (formerly Invitae), Labcorp
Classification: Uncertain significance for DICER1-related tumor predisposition. Last evaluated: 2022-03-28. Review status: criteria provided, single submitter. Criteria: Invitae Variant Classification Sherloc (09022015). Collection method: clinical testing. Allele origin: germline.
Comment: Algorithms developed to predict the effect of missense changes on protein structure and function are either unavailable or do not agree on the potential impact of this missense change (SIFT: "Tolerated"; PolyPhen-2: "Possibly Damaging"; Align-GVGD: "Class C0"). In summary, the available evidence is currently insufficient to determine the role of this variant in disease. Therefore, it has been classified as a Variant of Uncertain Significance. ClinVar contains an entry for this variant (Variation ID: 664314). This variant has not been reported in the literature in individuals affected with DICER1-related conditions. This variant is not present in population databases (gnomAD no frequency). This sequence change replaces glutamic acid, which is acidic and polar, with glutamine, which is neutral and polar, at codon 1439 of the DICER1 protein (p.Glu1439Gln).